The following is an entry in ClinVar:

NM_001352514.2(HLCS):c.526G>C (p.Val176Leu)

Gene: HLCS (holocarboxylase synthetase; minus strand). Cytogenetic location: 21q22.13.
Variant type: single nucleotide variant.
Coding change: c.526G>C on transcript NM_001352514.2 (MANE Select); coding-DNA position 526, G replaced by C.
Protein change: p.Val176Leu; replaces valine 176 with leucine.
Molecular consequence: missense variant. On other transcripts: non-coding transcript variant (2).
Genome position (GRCh38, 1-based): chr21:36,937,360, C>G on the plus strand (G>C on the coding strand, the complement: HLCS is on the minus strand). VCF-style: chr21-36937360-C-G. GRCh37 (hg19) VCF-style: chr21-38309660-C-G.
Other names: c.85G>C, p.Val29Leu (NM_000411.8, NM_001242784.3, NM_001242785.2 and 4 more transcripts); c.85G>C (NM_000411.7); short protein forms V176L, V29L.
Identifiers: ClinVar variation 1949607 (VCV001949607.5), dbSNP rs2517583323, ClinGen allele CA409914125.

ClinVar aggregate classification (germline): Uncertain significance. Review status: criteria provided, single submitter (1 of 4 stars). 2 submissions from 2 submitters: Uncertain significance (1). 1 of the submissions does not count toward it. Last evaluated 2024-10-16.

Conditions:
Holocarboxylase synthetase deficiency. Also called: MULTIPLE CARBOXYLASE DEFICIENCY, EARLY ONSET. Identifiers: Orphanet 79242, MedGen C0268581, MONDO:0009666, OMIM 253270.

Allele frequency attached by ClinVar (database versions not stated): gnomAD exomes below 0.00001.
gnomAD v4.1: 5 of 1,613,938 alleles (0.00031%); highest among the groups gnomAD compares: Non-Finnish European, 0.00042%; no homozygotes.

Submissions (2):

Labcorp Genetics (formerly Invitae), Labcorp
Classification: Uncertain significance for Holocarboxylase synthetase deficiency. Last evaluated: 2024-10-16. Review status: criteria provided, single submitter. Criteria: Invitae Variant Classification Sherloc (09022015). Collection method: clinical testing. Allele origin: germline.
Comment: This sequence change replaces valine, which is neutral and non-polar, with leucine, which is neutral and non-polar, at codon 29 of the HLCS protein (p.Val29Leu). This variant is not present in population databases (gnomAD no frequency). This variant has not been reported in the literature in individuals affected with HLCS-related conditions. ClinVar contains an entry for this variant (Variation ID: 1949607). Invitae Evidence Modeling of protein sequence and biophysical properties (such as structural, functional, and spatial information, amino acid conservation, physicochemical variation, residue mobility, and thermodynamic stability) indicates that this missense variant is not expected to disrupt HLCS protein function with a negative predictive value of 95%. In summary, the available evidence is currently insufficient to determine the role of this variant in disease. Therefore, it has been classified as a Variant of Uncertain Significance.

Natera, Inc.
Classification: Uncertain significance for Holocarboxylase synthetase deficiency. Last evaluated: 2025-01-08. Review status: no assertion criteria provided. Collection method: clinical testing. Allele origin: germline. Not counted in ClinVar's aggregate classification.